The following is an entry in ClinVar:

ClinVar aggregate classification (germline): Uncertain significance (1 of 4 stars; one submission).

Conditions:
Cardiomyopathy (CMYO). Also called: Cardiomyopathies. Identifiers: Orphanet 167848, MedGen C0878544, MONDO:0004994, HP:0001638. Inheritance: Various modes of inheritance.

Submission:

Color Diagnostics, LLC DBA Color Health
Classification: Uncertain significance for Cardiomyopathy. Last evaluated: 2023-12-05. Review status: criteria provided, single submitter. Criteria: ACMG Guidelines, 2015. Collection method: clinical testing. Allele origin: germline.
Comment: This missense variant replaces lysine with threonine at codon 51 of the TPM1 protein. Computational prediction tools and conservation analyses are inconclusive regarding the impact of this variant on the protein function. Computational splicing tools suggest that this variant may not impact RNA splicing. To our knowledge, functional assays have not been performed for this variant nor has this variant been reported in individuals affected with cardiovascular disorders in the literature. This variant has not been identified in the general population by the Genome Aggregation Database (gnomAD). Available evidence is insufficient to determine the role of this variant in disease conclusively. Therefore, this variant is classified as a Variant of Uncertain Significance.

NM_001018005.2(TPM1):c.152A>C (p.Lys51Thr)

Gene: TPM1 (tropomyosin 1; plus strand). Cytogenetic location: 15q22.2.
Variant type: single nucleotide variant.
Coding change: c.152A>C on transcript NM_001018005.2 (MANE Select); coding-DNA position 152, A replaced by C.
Protein change: p.Lys51Thr; replaces lysine 51 with threonine.
Molecular consequence: missense variant. On other transcripts: intron variant (3).
Genome position (GRCh38, 1-based): chr15:63,044,064, A>C. VCF-style: chr15-63044064-A-C. GRCh37 (hg19) VCF-style: chr15-63336263-A-C.
Other names: c.152A>C, p.Lys51Thr (NM_000366.6, NM_001018004.2, NM_001018006.2 and 3 more transcripts); c.278A>C, p.Lys93Thr (NM_001365778.1); c.240+233A>C (NM_001018020.2, NM_001018007.2, NM_001301244.2); short protein forms K93T, K51T.
Identifiers: ClinVar variation 923890 (VCV000923890.5), dbSNP rs1566937728, ClinGen allele CA392718558.